The following is an entry in ClinVar:

NM_004655.4(AXIN2):c.2184C>T (p.Ala728=)

Gene: AXIN2 (axin 2; minus strand). Cytogenetic location: 17q24.1.
Variant type: single nucleotide variant.
Coding change: c.2184C>T on transcript NM_004655.4 (MANE Select); coding-DNA position 2184, C replaced by T.
Protein change: p.Ala728=; no amino-acid change (alanine 728 retained).
Molecular consequence: synonymous variant.
Genome position (GRCh38, 1-based): chr17:65,535,679, G>A on the plus strand (C>T on the coding strand, the complement: AXIN2 is on the minus strand). VCF-style: chr17-65535679-G-A. GRCh37 (hg19) VCF-style: chr17-63531797-G-A.
Other names: c.2184C>T (LRG_296t1); c.1989C>T, p.Ala663= (NM_001363813.1).
Identifiers: ClinVar variation 240008 (VCV000240008.21), dbSNP rs146547133, ClinGen allele CA8718383.

ClinVar aggregate classification (germline): Benign/Likely benign. Review status: criteria provided, multiple submitters, no conflicts (2 of 4 stars). 7 submissions from 7 submitters: Benign (2); Likely benign (4). 1 of the submissions does not count toward it. Last evaluated 2025-12-21.

Conditions:
AXIN2-related disorder.
Hereditary cancer-predisposing syndrome. Also called: Neoplastic Syndromes, Hereditary; Hereditary neoplastic syndrome; Tumor predisposition; Hereditary Cancer Syndrome. Identifiers: Orphanet 140162, MedGen C0027672, MeSH D009386, MONDO:0015356.
Oligodontia-cancer predisposition syndrome. Also called: TOOTH AGENESIS-COLORECTAL CANCER SYNDROME. Identifiers: Orphanet 300576, MedGen C1837750, MONDO:0012075, OMIM 608615. Disease mechanism: loss of function.

Allele frequency attached by ClinVar (database versions not stated): gnomAD exomes 0.00001 and 0.00002; ExAC 0.00003; gnomAD 0.00003; TOPMed 0.00004; ESP Exome Variant Server 0.00023.

Submissions (7):

Labcorp Genetics (formerly Invitae), Labcorp
Classification: Likely benign for Oligodontia-cancer predisposition syndrome. Last evaluated: 2025-12-21. Review status: criteria provided, single submitter. Criteria: Invitae Variant Classification Sherloc (09022015). Collection method: clinical testing. Allele origin: germline.

Myriad Genetics, Inc.
Classification: Benign for Oligodontia-cancer predisposition syndrome. Last evaluated: 2024-07-10. Review status: criteria provided, single submitter. Criteria: Myriad Autosomal Dominant, Autosomal Recessive and X-Linked Classification Criteria (2023). Collection method: clinical testing. Allele origin: unknown.
Comment: This variant is considered benign. This variant is a silent/synonymous amino acid change and it is not expected to impact splicing.

Sema4
Classification: Likely benign for Hereditary cancer-predisposing syndrome. Last evaluated: 2021-09-23. Review status: criteria provided, single submitter. Criteria: Sema4 Curation Guidelines. Collection method: curation. Allele origin: germline.

Quest Diagnostics Nichols Institute San Juan Capistrano
Classification: Benign. Last evaluated: 2021-08-05. Review status: criteria provided, single submitter. Criteria: Quest Diagnostics criteria. Collection method: clinical testing. Allele origin: unknown.

Ambry Genetics
Classification: Likely benign for Hereditary cancer-predisposing syndrome. Last evaluated: 2020-09-21. Review status: criteria provided, single submitter. Criteria: Ambry Variant Classification Scheme 2023. Collection method: clinical testing. Allele origin: germline.

GeneDx
Classification: Likely benign. Last evaluated: 2020-01-08. Review status: criteria provided, single submitter. Criteria: GeneDx Variant Classification Process June 2021. Collection method: clinical testing. Allele origin: germline. Affected: yes.

PreventionGenetics, part of Exact Sciences
Classification: Likely benign for AXIN2-related condition. Last evaluated: 2023-04-07. Review status: no assertion criteria provided. Collection method: clinical testing. Allele origin: germline. Not counted in ClinVar's aggregate classification.
Comment: This variant is classified as likely benign based on ACMG/AMP sequence variant interpretation guidelines (Richards et al. 2015 PMID: 25741868, with internal and published modifications).